The following is an entry in ClinVar:

ClinVar aggregate classification (germline): Conflicting classifications of pathogenicity. Review status: criteria provided, conflicting classifications (1 of 4 stars). 3 submissions from 3 submitters: Uncertain significance (2); Likely benign (1). Last evaluated 2025-12-30.

Conditions:
ADGRV1-related disorder. Also called: ADGRV1-related condition; ADGRV1-related disorders.

Allele frequency attached by ClinVar (database versions not stated): gnomAD 0.00001; gnomAD exomes 0.00001 and 0.00002; ExAC 0.00005; ESP Exome Variant Server 0.00008.
gnomAD v4.1: 21 of 1,611,460 alleles (0.0013%); highest among the groups gnomAD compares: Non-Finnish European, 0.0016%; no homozygotes.

Submissions (3):

PreventionGenetics, part of Exact Sciences
Classification: Uncertain significance for ADGRV1-related condition. Last evaluated: 2025-12-30. Review status: criteria provided, single submitter. Criteria: ACMG Guidelines, 2015. Collection method: clinical testing. Allele origin: germline.
Comment: The ADGRV1 c.574A>G variant is predicted to result in the amino acid substitution p.Asn192Asp. To our knowledge, this variant has not been reported in the literature. This variant is reported in 0.0047% of alleles in individuals of European (Non-Finnish) descent in gnomAD. At this time, the clinical significance of this variant is uncertain due to the absence of conclusive functional and genetic evidence.

Labcorp Genetics (formerly Invitae), Labcorp
Classification: Likely benign. Last evaluated: 2024-10-22. Review status: criteria provided, single submitter. Criteria: Invitae Variant Classification Sherloc (09022015). Collection method: clinical testing. Allele origin: germline.

Blueprint Genetics
Classification: Uncertain significance. Last evaluated: 2020-03-06. Review status: criteria provided, single submitter. Criteria: ACMG Guidelines, 2015. Collection method: clinical testing. Allele origin: germline.

NM_032119.4(ADGRV1):c.574A>G (p.Asn192Asp)

Gene: ADGRV1 (adhesion G protein-coupled receptor V1; plus strand). Cytogenetic location: 5q14.3.
Variant type: single nucleotide variant.
Coding change: c.574A>G on transcript NM_032119.4 (MANE Select); coding-DNA position 574, A replaced by G.
Protein change: p.Asn192Asp; replaces asparagine 192 with aspartic acid.
Molecular consequence: missense variant. On other transcripts: non-coding transcript variant (1).
Genome position (GRCh38, 1-based): chr5:90,625,145, A>G. VCF-style: chr5-90625145-A-G. GRCh37 (hg19) VCF-style: chr5-89920962-A-G.
Other names: c.574A>G (NM_032119.3); short protein forms N192D.
Identifiers: ClinVar variation 1051051 (VCV001051051.11), dbSNP rs192654926, ClinGen allele CA3338508.
Genomic context (GRCh38, chr5:90,625,145, plus strand): 5'-TGAAGTATTTTGCATTTATTGATGGCATTTTGTGTTTCTTTGCAGGTAGAGGGTGGCCCA[A>G]ATCCCCCTGATGAAGATTTGAGTCCAGTTAAAGGAAATATCACCTTTCCCCCTGGCAGAG-3'
Protein context (NP_115495.3, residues 182-202): MVTFEVEGGP[Asn192Asp]PPDEDLSPVK